The following is an entry in ClinVar:

NM_000492.4(CFTR):c.53+130A>C

Gene: CFTR (CF transmembrane conductance regulator; plus strand). Cytogenetic location: 7q31.2.
Variant type: single nucleotide variant.
Coding change: c.53+130A>C on transcript NM_000492.4 (MANE Select); 130 bases into the intron after coding-DNA position 53, A replaced by C.
Molecular consequence: intron variant.
Genome position (GRCh38, 1-based): chr7:117,480,277, A>C. VCF-style: chr7-117480277-A-C. GRCh37 (hg19) VCF-style: chr7-117120331-A-C.
Identifiers: ClinVar variation 3348011 (VCV003348011.1).

ClinVar aggregate classification (germline): Uncertain significance (0 of 4 stars; one submission).

Conditions:
CFTR-related disorder (CFTR-RD). Also called: CFTR-related disorders; CFTR-related condition. Identifiers: MedGen C5924204, MONDO:7770004.

gnomAD v4.1: 10 of 830,588 alleles (0.0012%); highest among the groups gnomAD compares: Non-Finnish European, 0.0021%; no homozygotes.

Submission:

PreventionGenetics, part of Exact Sciences
Classification: Uncertain significance for CFTR-related condition. Last evaluated: 2024-05-30. Review status: no assertion criteria provided. Collection method: clinical testing. Allele origin: germline.
Comment: The CFTR c.53+130A>C variant is predicted to interfere with splicing. To our knowledge, this variant has not been reported in the literature or in a large population database, indicating this variant is rare. This variant is predicted to impact splicing (SpliceAI, Jaganathan et al. 2019. PubMed ID: 30661751). Although we suspect that this variant may be pathogenic, at this time, the clinical significance of this variant is uncertain due to the absence of conclusive functional and genetic evidence.